The following is an entry in ClinVar:

NM_018646.6(TRPV6):c.823G>A (p.Val275Met)

Gene: TRPV6 (transient receptor potential cation channel subfamily V member 6; minus strand). Cytogenetic location: 7q34.
Variant type: single nucleotide variant.
Coding change: c.823G>A on transcript NM_018646.6 (MANE Select); coding-DNA position 823, G replaced by A.
Protein change: p.Val275Met; replaces valine 275 with methionine.
Molecular consequence: missense variant.
Genome position (GRCh38, 1-based): chr7:142,876,467, C>T on the plus strand (G>A on the coding strand, the complement: TRPV6 is on the minus strand). VCF-style: chr7-142876467-C-T. GRCh37 (hg19) VCF-style: chr7-142574220-C-T.
Other names: short protein forms V275M.
Identifiers: ClinVar variation 4694908 (VCV004694908.1).

ClinVar aggregate classification (germline): Uncertain significance (1 of 4 stars; one submission).

gnomAD v4.1: 24 of 1,614,012 alleles (0.0015%); highest among the groups gnomAD compares: Middle Eastern, 0.033%; no homozygotes.

Submission:

Labcorp Genetics (formerly Invitae), Labcorp
Classification: Uncertain significance. Last evaluated: 2025-05-23. Review status: criteria provided, single submitter. Criteria: Invitae Variant Classification Sherloc (09022015). Collection method: clinical testing. Allele origin: germline.
Comment: This sequence change replaces valine, which is neutral and non-polar, with methionine, which is neutral and non-polar, at codon 275 of the TRPV6 protein (p.Val275Met). This variant is present in population databases (rs768664560, gnomAD 0.01%). This variant has not been reported in the literature in individuals affected with TRPV6-related conditions. An algorithm developed to predict the effect of missense changes on protein structure and function outputs the following: PolyPhen-2: "Not Available". The methionine amino acid residue is found in multiple mammalian species, which suggests that this missense change does not adversely affect protein function. In summary, the available evidence is currently insufficient to determine the role of this variant in disease. Therefore, it has been classified as a Variant of Uncertain Significance.